The following is an entry in ClinVar:

ClinVar aggregate classification (germline): Conflicting classifications of pathogenicity. Review status: criteria provided, conflicting classifications (1 of 4 stars). 6 submissions from 4 submitters: Uncertain significance (1); Benign (2); Likely benign (2). 1 of the submissions does not count toward it. Last evaluated 2024-10-22.

Conditions:
SCNN1B-related disorder. Also called: SCNN1B-related condition.
Bronchiectasis with or without elevated sweat chloride 1 (BESC1). Also called: Cystic Fibrosis-Like Syndrome. Identifiers: Orphanet 60033, MedGen C2749757, MONDO:0008887, OMIM 211400.
Pseudohypoaldosteronism, type IB1, autosomal recessive. Also called: Pseudohypoaldosteronism, Type I, Autosomal Recessive; Pseudohypoaldosteronism, Type I, Recessive; PHA I, AUTOSOMAL RECESSIVE; Autosomal recessive pseudohypoaldosteronism type 1. Identifiers: Orphanet 171876, Orphanet 756, MedGen C5774176, MONDO:0009917, OMIM 264350.
Liddle syndrome 1 (LIDLS1). Also called: PSEUDOALDOSTERONISM. Identifiers: Orphanet 526, MedGen CN031472, MONDO:0020607, OMIM 177200.

Allele frequency attached by ClinVar (database versions not stated): TOPMed 0.00005; gnomAD 0.00006; 1000 Genomes Project 30x 0.00047; 1000 Genomes Project 0.00060.
gnomAD v4.1: 155 of 1,612,772 alleles (0.0096%); highest among the groups gnomAD compares: South Asian, 0.099%; no homozygotes.

Submissions (6):

Blueprint Genetics
Classification: Likely benign. Last evaluated: 2024-10-22. Review status: criteria provided, single submitter. Criteria: ACMG Guidelines, 2015. Collection method: clinical testing. Allele origin: germline.

Labcorp Genetics (formerly Invitae), Labcorp
Classification: Likely benign. Last evaluated: 2022-10-21. Review status: criteria provided, single submitter. Criteria: Invitae Variant Classification Sherloc (09022015). Collection method: clinical testing. Allele origin: germline.

Illumina Laboratory Services, Illumina
Classification: Uncertain significance for Pseudohypoaldosteronism, type IB1, autosomal recessive. Last evaluated: 2018-01-12. Review status: criteria provided, single submitter. Criteria: ICSL Variant Classification Criteria 13 December 2019. Collection method: clinical testing. Allele origin: germline.

Illumina Laboratory Services, Illumina
Classification: Benign for Bronchiectasis with or without elevated sweat chloride 1. Last evaluated: 2018-01-12. Review status: criteria provided, single submitter. Criteria: ICSL Variant Classification Criteria 13 December 2019. Collection method: clinical testing. Allele origin: germline.
Comment: This variant was observed in the ICSL laboratory as part of a predisposition screen in an ostensibly healthy population. It had not been previously curated by ICSL or reported in the Human Gene Mutation Database (HGMD: prior to June 1st, 2018), and was therefore a candidate for classification through an automated scoring system. Utilizing variant allele frequency, disease prevalence and penetrance estimates, and inheritance mode, an automated score was calculated to assess if this variant is too frequent to cause the disease. Based on the score and internal cut-off values, a variant classified as benign is not then subjected to further curation. The score for this variant resulted in a classification of benign for this disease.

Illumina Laboratory Services, Illumina
Classification: Benign for Liddle syndrome 1. Last evaluated: 2018-01-12. Review status: criteria provided, single submitter. Criteria: ICSL Variant Classification Criteria 13 December 2019. Collection method: clinical testing. Allele origin: germline.
Comment: the same text as in the submission from Illumina Laboratory Services, Illumina above.

PreventionGenetics, part of Exact Sciences
Classification: Likely benign for SCNN1B-related condition. Last evaluated: 2019-11-26. Review status: no assertion criteria provided. Collection method: clinical testing. Allele origin: germline. Not counted in ClinVar's aggregate classification.
Comment: This variant is classified as likely benign based on ACMG/AMP sequence variant interpretation guidelines (Richards et al. 2015 PMID: 25741868, with internal and published modifications).

NM_000336.3(SCNN1B):c.6C>T (p.His2=)

Gene: SCNN1B (sodium channel epithelial 1 subunit beta; plus strand). Cytogenetic location: 16p12.2.
Variant type: single nucleotide variant.
Coding change: c.6C>T on transcript NM_000336.3 (MANE Select); coding-DNA position 6, C replaced by T.
Protein change: p.His2=; no amino-acid change (histidine 2 retained).
Molecular consequence: synonymous variant.
Genome position (GRCh38, 1-based): chr16:23,348,605, C>T. VCF-style: chr16-23348605-C-T. GRCh37 (hg19) VCF-style: chr16-23359926-C-T.
Identifiers: ClinVar variation 887418 (VCV000887418.11), dbSNP rs564570566, ClinGen allele CA7960047.